The following is an entry in ClinVar:

ClinVar aggregate classification (germline): Conflicting classifications of pathogenicity. Review status: criteria provided, conflicting classifications (1 of 4 stars). 3 submissions from 3 submitters: Uncertain significance (2); Likely benign (1). Last evaluated 2025-03-18.

Conditions:
Juvenile myelomonocytic leukemia (JMML). Also called: LEUKEMIA, JUVENILE MYELOMONOCYTIC, SOMATIC. Identifiers: Orphanet 86834, MedGen C0349639, MONDO:0011908, OMIM 607785, HP:0012209.
Cardiovascular phenotype. Identifiers: MedGen CN230736.
Hereditary cancer-predisposing syndrome. Also called: Hereditary Cancer Syndrome; Hereditary neoplastic syndrome; Tumor predisposition; Neoplastic Syndromes, Hereditary. Identifiers: Orphanet 140162, MedGen C0027672, MeSH D009386, MONDO:0015356.
Neurofibromatosis, type 1 (NF1). Also called: VON RECKLINGHAUSEN DISEASE; NEUROFIBROMATOSIS, TYPE I, SOMATIC; Peripheral type neurofibromatosis; Neurofibromatosis, type I. Identifiers: Orphanet 636, MedGen C0027831, MONDO:0018975, OMIM 162200. Disease mechanism: loss of function.

Submissions (3):

Ambry Genetics
Classification: Likely benign for Cardiovascular phenotype; Hereditary cancer-predisposing syndrome. Last evaluated: 2025-03-18. Review status: criteria provided, single submitter. Criteria: Ambry Variant Classification Scheme 2023. Collection method: clinical testing. Allele origin: germline.

Labcorp Genetics (formerly Invitae), Labcorp
Classification: Uncertain significance for Neurofibromatosis, type 1. Last evaluated: 2024-11-16. Review status: criteria provided, single submitter. Criteria: Invitae Variant Classification Sherloc (09022015). Collection method: clinical testing. Allele origin: germline.
Comment: This sequence change replaces valine, which is neutral and non-polar, with isoleucine, which is neutral and non-polar, at codon 567 of the NF1 protein (p.Val567Ile). This variant is not present in population databases (gnomAD no frequency). This variant has not been reported in the literature in individuals affected with NF1-related conditions. ClinVar contains an entry for this variant (Variation ID: 457543). Invitae Evidence Modeling of protein sequence and biophysical properties (such as structural, functional, and spatial information, amino acid conservation, physicochemical variation, residue mobility, and thermodynamic stability) indicates that this missense variant is not expected to disrupt NF1 protein function with a negative predictive value of 95%. In summary, the available evidence is currently insufficient to determine the role of this variant in disease. Therefore, it has been classified as a Variant of Uncertain Significance.

Baylor Genetics
Classification: Uncertain significance for Juvenile myelomonocytic leukemia. Last evaluated: 2024-03-27. Review status: criteria provided, single submitter. Criteria: ACMG Guidelines, 2015. Collection method: clinical testing. Allele origin: unknown.

NM_001042492.3(NF1):c.1699G>A (p.Val567Ile)

Gene: NF1 (neurofibromin 1; plus strand). Cytogenetic location: 17q11.2.
Variant type: single nucleotide variant.
Coding change: c.1699G>A on transcript NM_001042492.3 (MANE Select); coding-DNA position 1699, G replaced by A.
Protein change: p.Val567Ile; replaces valine 567 with isoleucine.
Molecular consequence: missense variant.
Genome position (GRCh38, 1-based): chr17:31,221,907, G>A. VCF-style: chr17-31221907-G-A. GRCh37 (hg19) VCF-style: chr17-29548925-G-A.
Other names: c.1699G>A, p.Val567Ile (NM_000267.4, NM_001128147.3); short protein forms V567I.
Identifiers: ClinVar variation 457543 (VCV000457543.10), dbSNP rs1555613200, ClinGen allele CA399002335.